The following is an entry in ClinVar:

NM_007215.4(POLG2):c.159C>G (p.Asn53Lys)

Genes: MILR1 (mast cell immunoglobulin like receptor 1; plus strand), POLG2 (DNA polymerase gamma 2, accessory subunit; minus strand). Cytogenetic location: 17q23.3.
Variant type: single nucleotide variant.
Coding change: c.159C>G on transcript NM_007215.4 (MANE Select); coding-DNA position 159, C replaced by G.
Protein change: p.Asn53Lys; replaces asparagine 53 with lysine.
Molecular consequence: missense variant.
Genome position (GRCh38, 1-based): chr17:64,496,810, G>C on the plus strand (C>G on the coding strand, the complement: POLG2 is on the minus strand). VCF-style: chr17-64496810-G-C. GRCh37 (hg19) VCF-style: chr17-62492928-G-C.
Other names: short protein forms N53K.
Identifiers: ClinVar variation 4715184 (VCV004715184.1).

ClinVar aggregate classification (germline): Uncertain significance (1 of 4 stars; one submission).

gnomAD v4.1: 1 of 1,613,736 alleles (0.000062%); highest among the groups gnomAD compares: Non-Finnish European, 0.000085%; no homozygotes.

Submission:

Labcorp Genetics (formerly Invitae), Labcorp
Classification: Uncertain significance. Last evaluated: 2025-03-29. Review status: criteria provided, single submitter. Criteria: Invitae Variant Classification Sherloc (09022015). Collection method: clinical testing. Allele origin: germline.
Comment: This sequence change replaces asparagine, which is neutral and polar, with lysine, which is basic and polar, at codon 53 of the POLG2 protein (p.Asn53Lys). This variant is not present in population databases (gnomAD no frequency). This variant has not been reported in the literature in individuals affected with POLG2-related conditions. An algorithm developed to predict the effect of missense changes on protein structure and function (PolyPhen-2) suggests that this variant is likely to be tolerated. In summary, the available evidence is currently insufficient to determine the role of this variant in disease. Therefore, it has been classified as a Variant of Uncertain Significance.